The following is an entry in ClinVar:

NM_152868.3(KCNJ4):c.252C>T (p.His84=)

Gene: KCNJ4 (potassium inwardly rectifying channel subfamily J member 4; minus strand). Cytogenetic location: 22q13.1.
Variant type: single nucleotide variant.
Coding change: c.252C>T on transcript NM_152868.3 (MANE Select); coding-DNA position 252, C replaced by T.
Protein change: p.His84=; no amino-acid change (histidine 84 retained).
Molecular consequence: synonymous variant.
Genome position (GRCh38, 1-based): chr22:38,427,881, G>A on the plus strand (C>T on the coding strand, the complement: KCNJ4 is on the minus strand). VCF-style: chr22-38427881-G-A. GRCh37 (hg19) VCF-style: chr22-38823886-G-A.
Other names: c.252C>T, p.His84= (NM_004981.2).
Identifiers: ClinVar variation 4821009 (VCV004821009.4).
Genomic context (GRCh38, chr22:38,427,881, plus strand): 5'-GCCACCACCCGCCGCCGGGCCCCCCGCCGCAGGCACCCCTGGGCTGGCCTCCAGGTCACC[G>A]TGGAAGAAGGCGATACACCAGAAGAGGAGGCCGAAAAAGAGCCAGGAGACAAGGAAGGCC-3'
Protein context (NP_690607.1, residues 74-94): GLLFWCIAFF[His84=]GDLEASPGVP

ClinVar aggregate classification (germline): Likely benign (1 of 4 stars; one submission).

gnomAD v4.1: 26 of 1,611,806 alleles (0.0016%); highest among the groups gnomAD compares: African/African-American, 0.0093%; no homozygotes.

Submission:

CeGaT Center for Human Genetics Tuebingen
Classification: Likely benign. Last evaluated: 2026-01-01. Review status: criteria provided, single submitter. Criteria: CeGaT Center For Human Genetics Tuebingen Variant Classification Criteria Version 2. Collection method: clinical testing. Allele origin: germline. Affected: yes. Observed: 1 variant allele.
Comment: KCNJ4: BP4, BP7